The following is an entry in ClinVar:

NM_004104.5(FASN):c.2641G>A (p.Asp881Asn)

Gene: FASN (fatty acid synthase; minus strand). Cytogenetic location: 17q25.3.
Variant type: single nucleotide variant.
Coding change: c.2641G>A on transcript NM_004104.5 (MANE Select); coding-DNA position 2641, G replaced by A.
Protein change: p.Asp881Asn; replaces aspartic acid 881 with asparagine.
Molecular consequence: missense variant.
Genome position (GRCh38, 1-based): chr17:82,088,260, C>T on the plus strand (G>A on the coding strand, the complement: FASN is on the minus strand). VCF-style: chr17-82088260-C-T. GRCh37 (hg19) VCF-style: chr17-80046136-C-T.
Other names: c.2641G>A (NM_004104.4); short protein forms D881N.
Identifiers: ClinVar variation 1383342 (VCV001383342.7), dbSNP rs1463167897, ClinGen allele CA401556055.
Genomic context (GRCh38, chr17:82,088,260, plus strand): 5'-GGGCCAGCGTCTTCCACACTATGCTCAGGTAGCCAGTGGCGGGGAAGAGGACGCGACCGT[C>T]GAGGGTGTGGTCCACCAGGTAGTGGTCAGGAGACTCGGAGCTGGTGTCTGCGGGAGGGCA-3'
Protein context (NP_004095.4, residues 871-891): PDHYLVDHTL[Asp881Asn]GRVLFPATGY

ClinVar aggregate classification (germline): Uncertain significance. Review status: criteria provided, multiple submitters, no conflicts (2 of 4 stars). 2 submissions from 2 submitters: Uncertain significance (2). Last evaluated 2025-09-02.

Conditions:
Epileptic encephalopathy. Identifiers: MedGen C0543888, HP:0200134.

Allele frequency attached by ClinVar (database versions not stated): gnomAD exomes below 0.00001 and 0.00001; gnomAD 0.00001; TOPMed 0.00001.
gnomAD v4.1: 4 of 1,606,418 alleles (0.00025%); highest among the groups gnomAD compares: Admixed American, 0.0017%; no homozygotes.

Submissions (2):

Labcorp Genetics (formerly Invitae), Labcorp
Classification: Uncertain significance for Epileptic encephalopathy. Last evaluated: 2025-09-02. Review status: criteria provided, single submitter. Criteria: Invitae Variant Classification Sherloc (09022015). Collection method: clinical testing. Allele origin: germline.
Comment: This sequence change replaces aspartic acid, which is acidic and polar, with asparagine, which is neutral and polar, at codon 881 of the FASN protein (p.Asp881Asn). This variant is present in population databases (no rsID available, gnomAD 0.0009%). This variant has not been reported in the literature in individuals affected with FASN-related conditions. ClinVar contains an entry for this variant (Variation ID: 1383342). An algorithm developed to predict the effect of missense changes on protein structure and function outputs the following: PolyPhen-2: "Probably Damaging". The asparagine amino acid residue is found in multiple mammalian species, which suggests that this missense change does not adversely affect protein function. In summary, the available evidence is currently insufficient to determine the role of this variant in disease. Therefore, it has been classified as a Variant of Uncertain Significance.

Ambry Genetics
Classification: Uncertain significance. Last evaluated: 2021-07-20. Review status: criteria provided, single submitter. Criteria: Ambry Variant Classification Scheme 2023. Collection method: clinical testing. Allele origin: germline.